The following is an entry in ClinVar:

NM_001376.5(DYNC1H1):c.2977G>A (p.Val993Ile)

Gene: DYNC1H1 (dynein cytoplasmic 1 heavy chain 1; plus strand). Cytogenetic location: 14q32.31.
Variant type: single nucleotide variant.
Coding change: c.2977G>A on transcript NM_001376.5 (MANE Select); coding-DNA position 2977, G replaced by A.
Protein change: p.Val993Ile; replaces valine 993 with isoleucine.
Molecular consequence: missense variant.
Genome position (GRCh38, 1-based): chr14:101,991,635, G>A. VCF-style: chr14-101991635-G-A. GRCh37 (hg19) VCF-style: chr14-102457972-G-A.
Other names: short protein forms V993I.
Identifiers: ClinVar variation 575690 (VCV000575690.14), dbSNP rs1332902634, ClinGen allele CA391030640.

ClinVar aggregate classification (germline): Likely benign. Review status: criteria provided, multiple submitters, no conflicts (2 of 4 stars). 2 submissions from 2 submitters: Likely benign (2). Last evaluated 2026-08-01.

Conditions:
Charcot-Marie-Tooth disease axonal type 2O. Also called: Charcot-Marie-Tooth disease, axonal, type 20; Charcot-Marie-Tooth Neuropathy Type 2O; CHARCOT-MARIE-TOOTH NEUROPATHY, AXONAL, TYPE 2O; CHARCOT-MARIE-TOOTH DISEASE, AXONAL, AUTOSOMAL DOMINANT, TYPE 2O. Identifiers: Orphanet 284232, MedGen C3280220, MONDO:0013644, OMIM 614228.

Allele frequency attached by ClinVar (database versions not stated): gnomAD exomes 0.00002 and 0.00005; gnomAD 0.00023 and 0.00024; TOPMed 0.00023.
gnomAD v4.1: 47 of 1,614,104 alleles (0.0029%); highest among the groups gnomAD compares: Admixed American, 0.078%; no homozygotes.

Submissions (2):

CeGaT Center for Human Genetics Tuebingen
Classification: Likely benign. Last evaluated: 2026-08-01. Review status: criteria provided, single submitter. Criteria: CeGaT Center For Human Genetics Tuebingen Variant Classification Criteria Version 2. Collection method: clinical testing. Allele origin: germline. Affected: yes. Observed: 2 variant alleles.
Comment: DYNC1H1: BP4

Labcorp Genetics (formerly Invitae), Labcorp
Classification: Likely benign for Charcot-Marie-Tooth disease axonal type 2O. Last evaluated: 2025-03-18. Review status: criteria provided, single submitter. Criteria: Invitae Variant Classification Sherloc (09022015). Collection method: clinical testing. Allele origin: germline.